The following is an entry in ClinVar:

ClinVar aggregate classification (germline): Uncertain significance. Review status: criteria provided, multiple submitters, no conflicts (2 of 4 stars). 2 submissions from 2 submitters: Uncertain significance (2). Last evaluated 2025-09-05.

Conditions:
Hereditary cancer-predisposing syndrome. Also called: Hereditary neoplastic syndrome; Neoplastic Syndromes, Hereditary; Tumor predisposition; Hereditary Cancer Syndrome. Identifiers: Orphanet 140162, MedGen C0027672, MeSH D009386, MONDO:0015356.
Neuroblastoma, susceptibility to, 3. Also called: ALK-Related Neuroblastic Tumor Susceptibility. Identifiers: Orphanet 635, MedGen C2751681, MONDO:0013083, OMIM 613014.

Submissions (2):

Ambry Genetics
Classification: Uncertain significance for Hereditary cancer-predisposing syndrome. Last evaluated: 2025-09-05. Review status: criteria provided, single submitter. Criteria: Ambry Variant Classification Scheme 2023. Collection method: clinical testing. Allele origin: germline.
Comment: The c.3743+3G>T intronic variant results from a G to T substitution 3 nucleotides after coding exon 24 in the ALK gene. This nucleotide position is not well conserved in available vertebrate species. In silico splice site analysis predicts that this alteration may weaken the native splice donor site. Based on the available evidence, the clinical significance of this variant remains unclear.

Labcorp Genetics (formerly Invitae), Labcorp
Classification: Uncertain significance for Neuroblastoma, susceptibility to, 3. Last evaluated: 2022-07-19. Review status: criteria provided, single submitter. Criteria: Invitae Variant Classification Sherloc (09022015). Collection method: clinical testing. Allele origin: germline.
Comment: In summary, the available evidence is currently insufficient to determine the role of this variant in disease. Therefore, it has been classified as a Variant of Uncertain Significance. This sequence change falls in intron 24 of the ALK gene. It does not directly change the encoded amino acid sequence of the ALK protein. It affects a nucleotide within the consensus splice site. This variant is not present in population databases (gnomAD no frequency). This variant has not been reported in the literature in individuals affected with ALK-related conditions. ClinVar contains an entry for this variant (Variation ID: 1006584). Variants that disrupt the consensus splice site are a relatively common cause of aberrant splicing (PMID: 17576681, 9536098). Algorithms developed to predict the effect of sequence changes on RNA splicing suggest that this variant may disrupt the consensus splice site.

Literature cited by the submitters: PubMed 17576681 (cited by Labcorp Genetics (formerly Invitae), Labcorp); PubMed 9536098 (cited by Labcorp Genetics (formerly Invitae), Labcorp).

NM_004304.5(ALK):c.3743+3G>T

Gene: ALK (ALK receptor tyrosine kinase; minus strand). Cytogenetic location: 2p23.2.
Variant type: single nucleotide variant.
Coding change: c.3743+3G>T on transcript NM_004304.5 (MANE Select); 3 bases into the intron after coding-DNA position 3743, G replaced by T.
Molecular consequence: intron variant.
Genome position (GRCh38, 1-based): chr2:29,213,981, C>A on the plus strand (G>T on the coding strand, the complement: ALK is on the minus strand). VCF-style: chr2-29213981-C-A. GRCh37 (hg19) VCF-style: chr2-29436847-C-A.
Other names: c.539+3G>T (NM_001353765.2); c.3743+3G>T (NM_004304.4).
Identifiers: ClinVar variation 1006584 (VCV001006584.7), dbSNP rs1669532102, ClinGen allele CA1241085921.